The following is an entry in ClinVar:

NM_001145026.2(PTPRQ):c.90C>G (p.Tyr30Ter)

Gene: PTPRQ (protein tyrosine phosphatase receptor type Q; plus strand). Cytogenetic location: 12q21.31.
Variant type: single nucleotide variant.
Coding change: c.90C>G on transcript NM_001145026.2 (MANE Select); coding-DNA position 90, C replaced by G.
Protein change: p.Tyr30Ter; replaces tyrosine 30 with a stop codon.
Molecular consequence: nonsense.
Genome position (GRCh38, 1-based): chr12:80,444,776, C>G. VCF-style: chr12-80444776-C-G. GRCh37 (hg19) VCF-style: chr12-80838556-C-G.
Other names: short protein forms Y30*.
Identifiers: ClinVar variation 5005175 (VCV005005175.2).

ClinVar aggregate classification (germline): Likely pathogenic (1 of 4 stars; one submission).

Conditions:
Autosomal recessive nonsyndromic hearing loss 84A. Also called: DEAFNESS, AUTOSOMAL RECESSIVE 84A; DEAFNESS, AUTOSOMAL RECESSIVE 84A, WITH VESTIBULAR DYSFUNCTION. Identifiers: Orphanet 90636, MedGen C3150654, MONDO:0013249, OMIM 613391.
Hearing loss, autosomal dominant 73. Also called: DEAFNESS, AUTOSOMAL DOMINANT 73. Identifiers: MedGen C4540024, MONDO:0033260, OMIM 617663.

gnomAD v4.1: 1 of 1,539,348 alleles (0.000065%); highest among the groups gnomAD compares: South Asian, 0.0012%; no homozygotes.

Submission:

Juno Genomics, Hangzhou Juno Genomics, Inc
Classification: Likely pathogenic for Hearing loss, autosomal dominant 73; Autosomal recessive nonsyndromic hearing loss 84A. Review status: criteria provided, single submitter. Criteria: ACMG Guidelines, 2015. Collection method: clinical testing. Allele origin: germline.
Comment: Null variant in a gene where loss of function (LOF) is a known mechanism of disease.;Absent from controls (or at extremely low frequency if recessive) in Genome Aggregation Database.